The following is an entry in ClinVar:

NM_021942.6(TRAPPC11):c.126A>T (p.Ala42=)

Gene: TRAPPC11 (trafficking protein particle complex subunit 11; plus strand). Cytogenetic location: 4q35.1.
Variant type: single nucleotide variant.
Coding change: c.126A>T on transcript NM_021942.6 (MANE Select); coding-DNA position 126, A replaced by T.
Protein change: p.Ala42=; no amino-acid change (alanine 42 retained).
Molecular consequence: synonymous variant.
Genome position (GRCh38, 1-based): chr4:183,663,993, A>T. VCF-style: chr4-183663993-A-T. GRCh37 (hg19) VCF-style: chr4-184585146-A-T.
Other names: c.126A>T, p.Ala42= (NM_199053.3).
Identifiers: ClinVar variation 2673001 (VCV002673001.24), dbSNP rs753631615, ClinGen allele CA3151484.

ClinVar aggregate classification (germline): Conflicting classifications of pathogenicity. Review status: criteria provided, conflicting classifications (1 of 4 stars). 2 submissions from 2 submitters: Uncertain significance (1); Likely benign (1). Last evaluated 2025-03-30.

Conditions:
Autosomal recessive limb-girdle muscular dystrophy type R18 (LGMDR18). Also called: Limb-girdle muscular dystrophy, type 2S; MUSCULAR DYSTROPHY, LIMB-GIRDLE, AUTOSOMAL RECESSIVE 18; Autosomal recessive limb-girdle muscular dystrophy type 2S. Identifiers: Orphanet 369840, MedGen C4517996, MONDO:0014144, OMIM 615356.

Allele frequency attached by ClinVar (database versions not stated): ExAC 0.00001.
gnomAD v4.1: 5 of 1,613,980 alleles (0.00031%); no homozygotes.

Submissions (2):

Labcorp Genetics (formerly Invitae), Labcorp
Classification: Likely benign for Autosomal recessive limb-girdle muscular dystrophy type R18. Last evaluated: 2025-03-30. Review status: criteria provided, single submitter. Criteria: Invitae Variant Classification Sherloc (09022015). Collection method: clinical testing. Allele origin: germline.

CeGaT Center for Human Genetics Tuebingen
Classification: Uncertain significance. Last evaluated: 2023-11-01. Review status: criteria provided, single submitter. Criteria: CeGaT Center For Human Genetics Tuebingen Variant Classification Criteria Version 2. Collection method: clinical testing. Allele origin: germline. Affected: yes. Observed: 1 variant allele.
Comment: TRAPPC11: PM2:Supporting, BP4